The following is an entry in ClinVar:

ClinVar aggregate classification (germline): Uncertain significance. Review status: criteria provided, multiple submitters, no conflicts (2 of 4 stars). 2 submissions from 2 submitters: Uncertain significance (2). Last evaluated 2024-11-09.

Conditions:
Inborn genetic diseases. Identifiers: MedGen C0950123, MeSH D030342.
DOCK2 deficiency. Also called: Immunodeficiency 40. Identifiers: Orphanet 447737, MedGen C4225328, MONDO:0014637, OMIM 616433.

gnomAD v4.1: 2 of 1,614,032 alleles (0.00012%); highest among the groups gnomAD compares: Admixed American, 0.0017%; no homozygotes.

Submissions (2):

Ambry Genetics
Classification: Uncertain significance for Inborn genetic diseases. Last evaluated: 2024-11-09. Review status: criteria provided, single submitter. Criteria: Ambry Variant Classification Scheme 2023. Collection method: clinical testing. Allele origin: germline.

Labcorp Genetics (formerly Invitae), Labcorp
Classification: Uncertain significance for DOCK2 deficiency. Last evaluated: 2022-04-01. Review status: criteria provided, single submitter. Criteria: Invitae Variant Classification Sherloc (09022015). Collection method: clinical testing. Allele origin: germline.
Comment: In summary, the available evidence is currently insufficient to determine the role of this variant in disease. Therefore, it has been classified as a Variant of Uncertain Significance. Algorithms developed to predict the effect of missense changes on protein structure and function output the following: SIFT: "Tolerated"; PolyPhen-2: "Benign"; Align-GVGD: "Class C0". The valine amino acid residue is found in multiple mammalian species, which suggests that this missense change does not adversely affect protein function. This variant has not been reported in the literature in individuals affected with DOCK2-related conditions. This variant is present in population databases (rs200852440, gnomAD 0.003%). This sequence change replaces isoleucine, which is neutral and non-polar, with valine, which is neutral and non-polar, at codon 50 of the DOCK2 protein (p.Ile50Val).

NM_004946.3(DOCK2):c.148A>G (p.Ile50Val)

Gene: DOCK2 (dedicator of cytokinesis 2; plus strand). Cytogenetic location: 5q35.1.
Variant type: single nucleotide variant.
Coding change: c.148A>G on transcript NM_004946.3 (MANE Select); coding-DNA position 148, A replaced by G.
Protein change: p.Ile50Val; replaces isoleucine 50 with valine.
Molecular consequence: missense variant. On other transcripts: non-coding transcript variant (1).
Genome position (GRCh38, 1-based): chr5:169,669,308, A>G. VCF-style: chr5-169669308-A-G. GRCh37 (hg19) VCF-style: chr5-169096312-A-G.
Other names: c.148A>G (NM_004946.2); short protein forms I50V.
Identifiers: ClinVar variation 1961273 (VCV001961273.6), dbSNP rs200852440, ClinGen allele CA3553069.